The following is an entry in ClinVar:

NM_000194.3(HPRT1):c.617G>A (p.Cys206Tyr)

Gene: HPRT1 (hypoxanthine phosphoribosyltransferase 1; plus strand). Cytogenetic location: Xq26.3.
Variant type: single nucleotide variant.
Coding change: c.617G>A on transcript NM_000194.3 (MANE Select); coding-DNA position 617, G replaced by A.
Protein change: p.Cys206Tyr; replaces cysteine 206 with tyrosine.
Molecular consequence: missense variant.
Genome position (GRCh38, 1-based): chrX:134,500,037, G>A. VCF-style: chrX-134500037-G-A. GRCh37 (hg19) VCF-style: chrX-133634067-G-A.
Other names: short protein forms C206Y.
Identifiers: ClinVar variation 4885534 (VCV004885534.2).

ClinVar aggregate classification (germline): Uncertain significance (1 of 4 stars; one submission).

Submission:

Dasa
Classification: Uncertain significance. Last evaluated: 2024-12-27. Review status: criteria provided, single submitter. Criteria: DASA Assertion Criteria. Collection method: clinical testing. Allele origin: germline.
Comment: NM_000194.3(HPRT1):c.617G>A (p.Cys206Tyr) is a missense variant that results in the substitution of cysteine with tyrosine. This variant is rare in population databases. Computational prediction algorithms are consistent with a deleterious effect. The currently available literature and clinical evidence are not sufficient to establish a definitive association between this variant and the reported condition. Therefore, this variant is classified as a variant of uncertain significance.